The following is an entry in ClinVar:

ClinVar aggregate classification (germline): Conflicting classifications of pathogenicity. Review status: criteria provided, conflicting classifications (1 of 4 stars). 3 submissions from 3 submitters: Uncertain significance (2); Likely benign (1). Last evaluated 2025-04-07.

Conditions:
Inborn genetic diseases. Identifiers: MedGen C0950123, MeSH D030342.
CHARGE syndrome (CHARGE). Also called: Hittner Hirsch Kreh syndrome; CHARGE ASSOCIATION--COLOBOMA, HEART ANOMALY, CHOANAL ATRESIA, RETARDATION, GENITAL AND EAR ANOMALIES; Coloboma, heart anomaly, choanal atresia, retardation, genital and ear anomalies; CHARGE association; Hall-Hittner syndrome. Identifiers: Orphanet 138, MedGen C0265354, MONDO:0008965.

Allele frequency attached by ClinVar (database versions not stated): gnomAD exomes below 0.00001; gnomAD 0.00001; TOPMed 0.00001.
gnomAD v4.1: 4 of 1,610,326 alleles (0.00025%); highest among the groups gnomAD compares: Admixed American, 0.0017%; no homozygotes.

Submissions (3):

Ambry Genetics
Classification: Uncertain significance for Inborn genetic diseases. Last evaluated: 2025-04-07. Review status: criteria provided, single submitter. Criteria: Ambry Variant Classification Scheme 2023. Collection method: clinical testing. Allele origin: germline.

Laboratory of Genetics, Children's Clinical University Hospital Latvia
Classification: Likely benign. Last evaluated: 2025-02-16. Review status: criteria provided, single submitter. Criteria: ACMG Guidelines, 2015. Collection method: clinical testing. Allele origin: germline. Affected: yes.

Labcorp Genetics (formerly Invitae), Labcorp
Classification: Uncertain significance for CHARGE syndrome. Last evaluated: 2021-09-15. Review status: criteria provided, single submitter. Criteria: Invitae Variant Classification Sherloc (09022015). Collection method: clinical testing. Allele origin: germline.
Comment: In summary, the available evidence is currently insufficient to determine the role of this variant in disease. Therefore, it has been classified as a Variant of Uncertain Significance. Advanced modeling of protein sequence and biophysical properties (such as structural, functional, and spatial information, amino acid conservation, physicochemical variation, residue mobility, and thermodynamic stability) performed at Invitae indicates that this missense variant is not expected to disrupt CHD7 protein function. This variant has not been reported in the literature in individuals affected with CHD7-related conditions. This variant is not present in population databases (ExAC no frequency). This sequence change replaces leucine with proline at codon 1564 of the CHD7 protein (p.Leu1564Pro). The leucine residue is highly conserved and there is a moderate physicochemical difference between leucine and proline.

NM_017780.4(CHD7):c.4691T>C (p.Leu1564Pro)

Gene: CHD7 (chromodomain helicase DNA binding protein 7; plus strand). Cytogenetic location: 8q12.2.
Variant type: single nucleotide variant.
Coding change: c.4691T>C on transcript NM_017780.4 (MANE Select); coding-DNA position 4691, T replaced by C.
Protein change: p.Leu1564Pro; replaces leucine 1564 with proline.
Molecular consequence: missense variant. On other transcripts: intron variant (1).
Genome position (GRCh38, 1-based): chr8:60,841,893, T>C. VCF-style: chr8-60841893-T-C. GRCh37 (hg19) VCF-style: chr8-61754452-T-C.
Other names: c.1717-20336T>C (NM_001316690.1); c.4691T>C (NM_017780.3); short protein forms L1564P.
Identifiers: ClinVar variation 1400564 (VCV001400564.8), dbSNP rs1804991326, ClinGen allele CA371319048.
Genomic context (GRCh38, chr8:60,841,893, plus strand): 5'-TCTTTTATTATTAGAACAACCTGGTTATTGATACTCCAAGAGTGAGAAAGCAGACCAGGC[T>C]CTACAGTGCAGTGAAGGAAGATGAGCTGATGGAGTTCTCAGACTTGGAAAGTGATTCTGA-3'
Protein context (NP_060250.2, residues 1554-1574): DTPRVRKQTR[Leu1564Pro]YSAVKEDELM